The following is an entry in ClinVar:

NM_000289.6(PFKM):c.1210G>T (p.Ala404Ser)

Gene: PFKM (phosphofructokinase, muscle; plus strand). Cytogenetic location: 12q13.11.
Variant type: single nucleotide variant.
Coding change: c.1210G>T on transcript NM_000289.6 (MANE Select); coding-DNA position 1210, G replaced by T.
Protein change: p.Ala404Ser; replaces alanine 404 with serine.
Molecular consequence: missense variant. On other transcripts: non-coding transcript variant (6).
Genome position (GRCh38, 1-based): chr12:48,140,740, G>T. VCF-style: chr12-48140740-G-T. GRCh37 (hg19) VCF-style: chr12-48534523-G-T.
Other names: c.1423G>T, p.Ala475Ser (NM_001166686.2, NM_001354737.1, NM_001354738.1 and 1 more transcripts); c.1210G>T, p.Ala404Ser (NM_001166687.2, NM_001166688.2, NM_001354742.2 and 2 more transcripts); c.1519G>T, p.Ala507Ser (NM_001354735.1, NM_001354736.1); c.1354G>T, p.Ala452Ser (NM_001354740.1); c.1234G>T, p.Ala412Ser (NM_001354741.2); c.1123G>T, p.Ala375Ser (NM_001354745.2); c.1084G>T, p.Ala362Ser (NM_001354746.2); c.1060G>T, p.Ala354Ser (NM_001354747.2, NM_001354748.2); and 2 more; short protein forms A354S, A362S, A373S, A375S, A404S, A412S, A444S, A452S.
Identifiers: ClinVar variation 4685673 (VCV004685673.2).

ClinVar aggregate classification (germline): Uncertain significance. Review status: criteria provided, multiple submitters, no conflicts (2 of 4 stars). 2 submissions from 2 submitters: Uncertain significance (2). Last evaluated 2025-03-11.

Conditions:
Glycogen storage disease, type VII (GSD7). Also called: GSD VII; MUSCLE PHOSPHOFRUCTOKINASE DEFICIENCY; PFKM DEFICIENCY; TARUI DISEASE. Identifiers: Orphanet 371, MedGen C0017926, MONDO:0009295, OMIM 232800.

gnomAD v4.1: 55 of 1,614,092 alleles (0.0034%); highest among the groups gnomAD compares: Non-Finnish European, 0.0044%; no homozygotes.

Submissions (2):

ARUP Laboratories, Molecular Genetics and Genomics, ARUP Laboratories
Classification: Uncertain significance for Glycogen storage disease, type VII. Last evaluated: 2025-03-11. Review status: criteria provided, single submitter. Criteria: ARUP Molecular Germline Variant Investigation Process 2024. Collection method: clinical testing. Allele origin: germline.
Comment: The PFKM c.1210G>T; p.Ala404Ser variant (rs768664601), to our knowledge, is not reported in the medical literature or gene specific databases. This variant is found in the European population with an allele frequency of 0.0026% (3/113632 alleles) in the Genome Aggregation Database (v2.1.1). Computational analyses predict that this variant is deleterious (REVEL: 0.827). Due to limited information, the clinical significance of this variant is uncertain at this time.

Blueprint Genetics
Classification: Uncertain significance. Last evaluated: 2023-10-17. Review status: criteria provided, single submitter. Criteria: ACMG Guidelines, 2015. Collection method: clinical testing. Allele origin: germline.